The following is an entry in ClinVar:

ClinVar aggregate classification (germline): Pathogenic (1 of 4 stars; one submission).

Conditions:
3MC syndrome 2. Also called: OCULO-SKELETAL-ABDOMINAL SYNDROME; OSA SYNDROME; PTOSIS OF EYELIDS WITH DIASTASIS RECTI AND HIP DYSPLASIA. Identifiers: Orphanet 293843, MedGen C0796279, MONDO:0009927, OMIM 265050.

Submission:

Women's Health and Genetics/Laboratory Corporation of America, LabCorp
Classification: Pathogenic for 3MC syndrome 2. Last evaluated: 2023-10-30. Review status: criteria provided, single submitter. Criteria: LabCorp Variant Classification Summary - May 2015. Collection method: clinical testing. Allele origin: germline.
Comment: Variant summary: The variant identified by MLPA or other technology involves the deletion of exons 4-7 in the COLEC11 gene, which includes the last exon. The exact breakpoint at the 3' end of this variant is unknown, and therefore this deletion might extend downstream of the assayed region of the gene. A presumed nomenclature of c.(202+1_203-1)_(*527_?)del has been designated for the purposes of this classification. Although exact breakpoints of this deletion are not known, it is expected to result in nonsense mediated decay, a known mechanism of disease. The variant was absent in 21694 control chromosomes (gnomAD, structural variants dataset). To our knowledge, no occurrence of c.(202+1_203-1)_(*527_?)del in individuals affected with 3MC Syndrome and no experimental evidence demonstrating its impact on protein function have been reported. However, other variants within the deleted region (exons 4-7) have been reported in individuals with 3MC Syndrome (HGMD database). No submitters have cited clinical-significance assessments for this variant to ClinVar after 2014. Based on the evidence outlined above, the variant was classified as pathogenic.

NC_000002.11:g.(3660973_3685122)_(3692235_?)del

Gene: COLEC11 (collectin subfamily member 11; plus strand). Cytogenetic location: 2p25.3.
Variant type: Deletion.
Identifiers: ClinVar variation 2637568 (VCV002637568.1).